The following is an entry in ClinVar:

NM_004715.5(CTDP1):c.1859C>T (p.Pro620Leu)

Gene: CTDP1 (CTD phosphatase subunit 1; plus strand). Cytogenetic location: 18q23.
Variant type: single nucleotide variant.
Coding change: c.1859C>T on transcript NM_004715.5 (MANE Select); coding-DNA position 1859, C replaced by T.
Protein change: p.Pro620Leu; replaces proline 620 with leucine.
Molecular consequence: missense variant.
Genome position (GRCh38, 1-based): chr18:79,715,319, C>T. VCF-style: chr18-79715319-C-T. GRCh37 (hg19) VCF-style: chr18-77475319-C-T.
Other names: c.1502C>T, p.Pro501Leu (NM_001202504.1); c.1859C>T, p.Pro620Leu (NM_001318511.2, NM_048368.4); short protein forms P501L, P620L.
Identifiers: ClinVar variation 2412973 (VCV002412973.3), dbSNP rs1054604568, ClinGen allele CA303772591.

ClinVar aggregate classification (germline): Uncertain significance (1 of 4 stars; one submission).

Allele frequency attached by ClinVar (database versions not stated): gnomAD exomes below 0.00001; TOPMed below 0.00001.
gnomAD v4.1: 2 of 1,609,196 alleles (0.00012%); highest among the groups gnomAD compares: Non-Finnish European, 0.00017%; no homozygotes.

Submission:

GeneDx
Classification: Uncertain significance. Last evaluated: 2022-07-28. Review status: criteria provided, single submitter. Criteria: GeneDx Variant Classification Process June 2021. Collection method: clinical testing. Allele origin: germline. Affected: yes.
Comment: Not observed at significant frequency in large population cohorts (gnomAD); In silico analysis supports that this missense variant has a deleterious effect on protein structure/function; Has not been previously published as pathogenic or benign to our knowledge